The following is an entry in ClinVar:

ClinVar aggregate classification (germline): Pathogenic (1 of 4 stars; one submission).

Conditions:
Autosomal recessive limb-girdle muscular dystrophy type 2K. Also called: MUSCULAR DYSTROPHY-DYSTROGLYCANOPATHY (LIMB-GIRDLE), TYPE C, 1; MUSCULAR DYSTROPHY, LIMB-GIRDLE, TYPE 2K. Identifiers: Orphanet 86812, MedGen C1836373, MONDO:0012248, OMIM 609308.
Walker-Warburg congenital muscular dystrophy. Also called: Muscular dystrophy-dystroglycanopathy, type A; Walker-Warburg syndrome. Identifiers: Orphanet 899, MedGen C0265221, MONDO:0000171.
Muscular dystrophy-dystroglycanopathy (congenital with impaired intellectual development), type B, 1. Also called: Muscular dystrophy-dystroglycanopathy (congenital with intellectual disability), type B1; MUSCULAR DYSTROPHY, CONGENITAL, POMT1-RELATED. Identifiers: MedGen C5436962, MONDO:0013159, OMIM 613155.

Allele frequency attached by ClinVar (database versions not stated): gnomAD exomes below 0.00001.
gnomAD v4.1: 1 of 1,613,698 alleles (0.000062%); highest among the groups gnomAD compares: Non-Finnish European, 0.000085%; no homozygotes.

Submission:

Labcorp Genetics (formerly Invitae), Labcorp
Classification: Pathogenic for Muscular dystrophy-dystroglycanopathy (congenital with impaired intellectual development), type B, 1; Walker-Warburg congenital muscular dystrophy; Autosomal recessive limb-girdle muscular dystrophy type 2K. Last evaluated: 2022-08-10. Review status: criteria provided, single submitter. Criteria: Invitae Variant Classification Sherloc (09022015). Collection method: clinical testing. Allele origin: germline.
Comment: For these reasons, this variant has been classified as Pathogenic. ClinVar contains an entry for this variant (Variation ID: 936444). This variant has not been reported in the literature in individuals affected with POMT1-related conditions. This variant is not present in population databases (gnomAD no frequency). This sequence change creates a premature translational stop signal (p.Trp508*) in the POMT1 gene. It is expected to result in an absent or disrupted protein product. Loss-of-function variants in POMT1 are known to be pathogenic (PMID: 12369018, 15637732, 16575835).

Literature cited by the submitters: PubMed 12369018; PubMed 15637732; PubMed 16575835.

NM_001077365.2(POMT1):c.1457G>A (p.Trp486Ter)

Gene: POMT1 (protein O-mannosyltransferase 1; plus strand). Cytogenetic location: 9q34.13.
Variant type: single nucleotide variant.
Coding change: c.1457G>A on transcript NM_001077365.2 (MANE Select); coding-DNA position 1457, G replaced by A.
Protein change: p.Trp486Ter; replaces tryptophan 486 with a stop codon.
Molecular consequence: nonsense. On other transcripts: non-coding transcript variant (10), intron variant (1).
Genome position (GRCh38, 1-based): chr9:131,518,928, G>A. VCF-style: chr9-131518928-G-A. GRCh37 (hg19) VCF-style: chr9-134394315-G-A.
Other names: c.1295G>A, p.Trp432Ter (NM_001077366.2, NM_001353194.2); c.1457G>A, p.Trp486Ter (NM_001136113.2); c.1106G>A, p.Trp369Ter (NM_001136114.2, NM_001353195.2, NM_001374691.1 and 2 more transcripts); c.1523G>A, p.Trp508Ter (NM_001353193.2, NM_007171.4); c.1367G>A, p.Trp456Ter (NM_001353196.2); c.1361G>A, p.Trp454Ter (NM_001353197.2, NM_001353198.2); c.1172G>A, p.Trp391Ter (NM_001353199.2); c.1001G>A, p.Trp334Ter (NM_001353200.2); and 3 more; short protein forms W334*, W356*, W454*, W391*, W486*, W508*, W369*, W432*.
Identifiers: ClinVar variation 936444 (VCV000936444.8), dbSNP rs1191391104, ClinGen allele CA375312051.
Genomic context (GRCh38, chr9:131,518,928, plus strand): 5'-ATCGGCAACTGGAGATCGTCGGGGAGAAGCTGTCCCGGGGCTACCACGGGAGCACGGTGT[G>A]GAACGTGGAGGAGCACCGATACGGCGCGAGTGAGTCCGCGGCGTGGCTTCCGCCGCTCCT-3'